The following is an entry in ClinVar:

ClinVar aggregate classification (germline): Uncertain significance (1 of 4 stars; one submission).

Allele frequency attached by ClinVar (database versions not stated): TOPMed below 0.00001; gnomAD 0.00001; ExAC 0.00006.
gnomAD v4.1: 11 of 1,550,314 alleles (0.00071%); highest among the groups gnomAD compares: Middle Eastern, 0.019%; no homozygotes.

Submission:

Labcorp Genetics (formerly Invitae), Labcorp
Classification: Uncertain significance. Last evaluated: 2024-11-05. Review status: criteria provided, single submitter. Criteria: Invitae Variant Classification Sherloc (09022015). Collection method: clinical testing. Allele origin: germline.
Comment: This sequence change replaces lysine, which is basic and polar, with glutamine, which is neutral and polar, at codon 25 of the SDHAF1 protein (p.Lys25Gln). This variant is present in population databases (rs763030424, gnomAD 0.002%). This variant has not been reported in the literature in individuals affected with SDHAF1-related conditions. ClinVar contains an entry for this variant (Variation ID: 2421702). An algorithm developed to predict the effect of missense changes on protein structure and function (PolyPhen-2) suggests that this variant is likely to be disruptive. In summary, the available evidence is currently insufficient to determine the role of this variant in disease. Therefore, it has been classified as a Variant of Uncertain Significance.

NM_001042631.3(SDHAF1):c.73A>C (p.Lys25Gln)

Genes: SDHAF1 (succinate dehydrogenase complex assembly factor 1; plus strand), LOC130064279 (ATAC-STARR-seq lymphoblastoid active region 14513; plus strand). Cytogenetic location: 19q13.12.
Variant type: single nucleotide variant.
Coding change: c.73A>C on transcript NM_001042631.3 (MANE Select); coding-DNA position 73, A replaced by C.
Protein change: p.Lys25Gln; replaces lysine 25 with glutamine.
Molecular consequence: missense variant.
Genome position (GRCh38, 1-based): chr19:35,995,347, A>C. VCF-style: chr19-35995347-A-C. GRCh37 (hg19) VCF-style: chr19-36486249-A-C.
Other names: short protein forms K25Q.
Identifiers: ClinVar variation 2421702 (VCV002421702.7), dbSNP rs763030424, ClinGen allele CA9393661.